The following is an entry in ClinVar:

NM_032043.3(BRIP1):c.2344A>G (p.Ile782Val)

Gene: BRIP1 (BRCA1 interacting DNA helicase 1; minus strand). Cytogenetic location: 17q23.2.
Variant type: single nucleotide variant.
Coding change: c.2344A>G on transcript NM_032043.3 (MANE Select); coding-DNA position 2344, A replaced by G.
Protein change: p.Ile782Val; replaces isoleucine 782 with valine.
Molecular consequence: missense variant.
Genome position (GRCh38, 1-based): chr17:61,743,048, T>C on the plus strand (A>G on the coding strand, the complement: BRIP1 is on the minus strand). VCF-style: chr17-61743048-T-C. GRCh37 (hg19) VCF-style: chr17-59820409-T-C.
Other names: short protein forms I782V.
Identifiers: ClinVar variation 142346 (VCV000142346.36), dbSNP rs142806416, ClinGen allele CA168131.
Genomic context (GRCh38, chr17:61,743,048, plus strand): 5'-AAAACTTAAGGTTTTGATGGCCTACCTGTAGATCTTTCACATTTGGAAAAGGAATTCCTA[T>C]TGTTATGACAGCACGGGCATTGTCATCTGAGAAATCCAGACCCTCACTCACTTTACCACG-3'
Protein context (NP_114432.2, residues 772-792): SDDNARAVIT[Ile782Val]GIPFPNVKDL

ClinVar aggregate classification (germline): Uncertain significance. Review status: criteria provided, multiple submitters, no conflicts (2 of 4 stars). 15 submissions from 14 submitters: Uncertain significance (13). 2 of the submissions do not count toward it. Last evaluated 2026-04-10.

Conditions:
Familial ovarian cancer. Identifiers: MedGen C5679802, MONDO:0016248.
BRIP1-related disorder. Also called: BRIP1-related condition; BRIP1-related disorders. Identifiers: MedGen CN239206.
Hereditary cancer-predisposing syndrome. Also called: Tumor predisposition; Neoplastic Syndromes, Hereditary; Hereditary neoplastic syndrome; Hereditary Cancer Syndrome. Identifiers: Orphanet 140162, MedGen C0027672, MeSH D009386, MONDO:0015356.
Fanconi anemia complementation group J. Also called: BRIP1-Related Fanconi Anemia. Identifiers: Orphanet 84, MedGen C1836860, MONDO:0012187, OMIM 609054.
Familial cancer of breast. Also called: BREAST CANCER, FAMILIAL; Hereditary breast cancer; hereditary breast carcinoma. Identifiers: Orphanet 227535, MedGen C0346153, MONDO:0016419, OMIM 114480. Disease mechanism: loss of function.
Ovarian cancer. Also called: OVARIAN CANCER, SOMATIC. Identifiers: Orphanet 213500, MedGen C1140680, MONDO:0008170, OMIM 167000.

Allele frequency attached by ClinVar (database versions not stated): gnomAD 0.00001; gnomAD exomes 0.00001 and 0.00003; TOPMed 0.00001; ExAC 0.00002; ESP Exome Variant Server 0.00008.

Submissions 1 to 9 of 15:

PreventionGenetics, part of Exact Sciences
Classification: Uncertain significance for BRIP1-related condition. Last evaluated: 2026-04-10. Review status: criteria provided, single submitter. Criteria: ACMG Guidelines, 2015. Collection method: clinical testing. Allele origin: germline.
Comment: The BRIP1 c.2344A>G variant is predicted to result in the amino acid substitution p.Ile782Val. This variant was reported in individuals with pancreatic ductal adenocarcinoma, breast cancer, and ovarian cancer (Tables S1 and S2, Easton et al. 2016. PubMed ID: 26921362; Table A2, Shindo et al. 2017. PubMed ID: 28767289; Table 2, Moyer et al. 2020. PubMed ID: 31822495). However, this variant was also documented in a presumably healthy individual in a breast cancer case-control study (Table S1, Easton et al. 2016. PubMed ID: 26921362). Functional studies suggested that the p.Ile782Val variant is a hypomorphic allele (Moyer et al. 2020. PubMed ID: 31822495). This variant is reported in 0.0033% of alleles in individuals of South Asian descent in gnomAD, and in interpreted as uncertain significance in ClinVar (Variation ID: 142346﻿). At this time, the clinical significance of this variant is uncertain due to the absence of conclusive functional and genetic evidence.

Labcorp Genetics (formerly Invitae), Labcorp
Classification: Uncertain significance for Familial cancer of breast; Fanconi anemia complementation group J. Last evaluated: 2026-01-22. Review status: criteria provided, single submitter. Criteria: Invitae Variant Classification Sherloc (09022015). Collection method: clinical testing. Allele origin: germline.
Comment: This sequence change replaces isoleucine, which is neutral and non-polar, with valine, which is neutral and non-polar, at codon 782 of the BRIP1 protein (p.Ile782Val). This variant is present in population databases (rs142806416, gnomAD 0.003%). This missense change has been observed in individual(s) with breast cancer and/or pancreatic cancer (PMID: 26921362, 28767289, 32659497, 34326862). ClinVar contains an entry for this variant (Variation ID: 142346). Invitae Evidence Modeling of protein sequence and biophysical properties (such as structural, functional, and spatial information, amino acid conservation, physicochemical variation, residue mobility, and thermodynamic stability) indicates that this missense variant is not expected to disrupt BRIP1 protein function with a negative predictive value of 95%. Experimental studies are conflicting or provide insufficient evidence to determine the effect of this variant on BRIP1 function (PMID: 31822495). RNA analysis performed to evaluate the impact of this missense change on mRNA splicing indicates it does not significantly alter splicing (internal data). In summary, the available evidence is currently insufficient to determine the role of this variant in disease. Therefore, it has been classified as a Variant of Uncertain Significance.

KCCC/NGS Laboratory, Kuwait Cancer Control Center
Classification: Uncertain significance for Familial cancer of breast. Last evaluated: 2025-12-01. Review status: criteria provided, single submitter. Criteria: ACMG Guidelines, 2015. Collection method: clinical testing. Allele origin: germline. Inheritance: Autosomal dominant inheritance. Affected: yes.
Comment: the available evidence is currently insufficient to determine the role of this variant in disease. Therefore, it has been classified as a Variant of Uncertain Significance. The diagnosis of hereditary cancer syndrome is not confirmed.

Ambry Genetics
Classification: Uncertain significance for Hereditary cancer-predisposing syndrome. Last evaluated: 2025-09-16. Review status: criteria provided, single submitter. Criteria: Ambry Variant Classification Scheme 2023. Collection method: clinical testing. Allele origin: germline.
Comment: The p.I782V variant (also known as c.2344A>G), located in coding exon 15 of the BRIP1 gene, results from an A to G substitution at nucleotide position 2344. The isoleucine at codon 782 is replaced by valine, an amino acid with highly similar properties. In an inter-strand cross link damage survival assay, the p.I782V alteration was found to be functionally hypomorphic (Moyer CL et al. Cancer Res, 2020 02;80:857-867). This amino acid position is not well conserved in available vertebrate species. In addition, this alteration is predicted to be tolerated by in silico analysis. Since supporting evidence is limited at this time, the clinical significance of this alteration remains unclear.

Molecular Pathology, Peter Maccallum Cancer Centre
Classification: Uncertain significance for Familial ovarian cancer. Last evaluated: 2025-01-16. Review status: criteria provided, single submitter. Criteria: ACMG Guidelines, 2015. Collection method: clinical testing. Allele origin: germline. Inheritance: Autosomal dominant inheritance.

Color Diagnostics, LLC DBA Color Health
Classification: Uncertain significance for Hereditary cancer-predisposing syndrome. Last evaluated: 2024-12-11. Review status: criteria provided, single submitter. Criteria: ACMG Guidelines, 2015. Collection method: clinical testing. Allele origin: germline.
Comment: This missense variant replaces isoleucine with valine at codon 782 of the BRIP1 protein. Computational prediction suggests that this variant may not impact protein structure and function. A functional study has reported that this variant resulted in hymomorphic activity in a mitomycin C sensitivity assay (PMID: 31822495). This variant has been detected in individuals affected with pancreatic cancer (PMID: 28767289, 32659497) and in 10/101759 breast cancer and 1/15587 ovarian cancer cases (PMID: 31822495). This variant also has been reported in the general population (PMID: 31822495) and in 1 individual age 70 years or older without cancer in the FLOSSIES database. A breast cancer case-control meta-study has detected this variant in 3/60466 cases and 2/53461 unaffected individuals (PMID: 33471991; Leiden Open Variation Database DB-ID BRIP1_000419). This variant has been identified in 2/251332 chromosomes in the general population by the Genome Aggregation Database (gnomAD). The available evidence is insufficient to determine the role of this variant in disease conclusively. Therefore, this variant is classified as a Variant of Uncertain Significance.

Baylor Genetics
Classification: Uncertain significance for Familial cancer of breast. Last evaluated: 2024-01-22. Review status: criteria provided, single submitter. Criteria: ACMG Guidelines, 2015. Collection method: clinical testing. Allele origin: unknown.

Women's Health and Genetics/Laboratory Corporation of America, LabCorp
Classification: Uncertain significance. Last evaluated: 2023-11-16. Review status: criteria provided, single submitter. Criteria: LabCorp Variant Classification Summary - May 2015. Collection method: clinical testing. Allele origin: germline.
Comment: Variant summary: BRIP1 c.2344A>G (p.Ile782Val) results in a conservative amino acid change located in the ATP-dependent helicase, C-terminal domain (IPR006555) of the encoded protein sequence. Four of five in-silico tools predict a benign effect of the variant on protein function. The variant allele was found at a frequency of 8e-06 in 251332 control chromosomes (gnomAD). The available data on variant occurrences in the general population are insufficient to allow any conclusion about variant significance. c.2344A>G has been reported in the literature, primarily as a VUS in settings of multigene panel testing, in individuals affected with pancreatic, breast, and ovarian cancers, and also in at least one control individual (e.g. Easton_2016, Shindo_2017, Moyer_2020, Bhai_2021). These reports do not provide unequivocal conclusions about association of the variant with Hereditary Breast And Ovarian Cancer Syndrome. A functional study evaluated the effect of the variant using a transient DNA damage-based rescue assay and categorized the variant as hypomorphic (Moyer_2020); however, this does not allow strong conclusions about the variant effect. The following publications have been ascertained in the context of this evaluation (PMID: 34326862, 31822495, 28767289, 26921362). Ten submitters have cited clinical-significance assessments for this variant to ClinVar after 2014. All submitters classified the variant as uncertain significance. Based on the evidence outlined above, the variant was classified as uncertain significance.

Myriad Genetics, Inc.
Classification: Uncertain significance for Familial cancer of breast. Last evaluated: 2023-03-01. Review status: criteria provided, single submitter. Criteria: Myriad Autosomal Dominant, Autosomal Recessive and X-Linked Classification Criteria (2023). Collection method: clinical testing. Allele origin: unknown.
Comment: This variant is classified as a variant of uncertain significance as there is insufficient evidence to determine its impact on protein function and/or cancer risk.